The following is an entry in ClinVar:

NM_000435.3(NOTCH3):c.5180C>T (p.Pro1727Leu)

Gene: NOTCH3 (notch receptor 3; minus strand). Cytogenetic location: 19p13.12.
Variant type: single nucleotide variant.
Coding change: c.5180C>T on transcript NM_000435.3 (MANE Select); coding-DNA position 5180, C replaced by T.
Protein change: p.Pro1727Leu; replaces proline 1727 with leucine.
Molecular consequence: missense variant.
Genome position (GRCh38, 1-based): chr19:15,170,105, G>A on the plus strand (C>T on the coding strand, the complement: NOTCH3 is on the minus strand). VCF-style: chr19-15170105-G-A. GRCh37 (hg19) VCF-style: chr19-15280916-G-A.
Other names: short protein forms P1727L.
Identifiers: ClinVar variation 1499052 (VCV001499052.6), dbSNP rs989373826, ClinGen allele CA404496647.

ClinVar aggregate classification (germline): Uncertain significance (1 of 4 stars; one submission).

Allele frequency attached by ClinVar (database versions not stated): gnomAD 0.00001 and 0.00002; TOPMed 0.00001.
gnomAD v4.1: 12 of 1,596,802 alleles (0.00075%); highest among the groups gnomAD compares: Middle Eastern, 0.017%; no homozygotes.

Submission:

Labcorp Genetics (formerly Invitae), Labcorp
Classification: Uncertain significance. Last evaluated: 2022-10-07. Review status: criteria provided, single submitter. Criteria: Invitae Variant Classification Sherloc (09022015). Collection method: clinical testing. Allele origin: germline.
Comment: This sequence change replaces proline, which is neutral and non-polar, with leucine, which is neutral and non-polar, at codon 1727 of the NOTCH3 protein (p.Pro1727Leu). The frequency data for this variant in the population databases is considered unreliable, as metrics indicate poor data quality at this position in the gnomAD database. This variant has not been reported in the literature in individuals affected with NOTCH3-related conditions. ClinVar contains an entry for this variant (Variation ID: 1499052). Advanced modeling of protein sequence and biophysical properties (such as structural, functional, and spatial information, amino acid conservation, physicochemical variation, residue mobility, and thermodynamic stability) performed at Invitae indicates that this missense variant is not expected to disrupt NOTCH3 protein function. In summary, the available evidence is currently insufficient to determine the role of this variant in disease. Therefore, it has been classified as a Variant of Uncertain Significance.